The following is an entry in ClinVar:

ClinVar aggregate classification (germline): Likely benign. Review status: criteria provided, multiple submitters, no conflicts (2 of 4 stars). 3 submissions from 3 submitters: Likely benign (3). Last evaluated 2025-06-16.

Conditions:
Autosomal recessive severe congenital neutropenia due to CSF3R deficiency. Also called: Neutropenia, severe congenital, 7, autosomal recessive. Identifiers: Orphanet 420702, MedGen C4310764, MONDO:0014865, OMIM 617014.

Allele frequency attached by ClinVar (database versions not stated): gnomAD exomes 0.00001 and 0.00002; ExAC 0.00002; gnomAD 0.00007 and 0.00008; TOPMed 0.00007.
gnomAD v4.1: 25 of 1,613,980 alleles (0.0015%); highest among the groups gnomAD compares: African/African-American, 0.02%; no homozygotes.

Submissions (3):

Labcorp Genetics (formerly Invitae), Labcorp
Classification: Likely benign for Autosomal recessive severe congenital neutropenia due to CSF3R deficiency. Last evaluated: 2025-06-16. Review status: criteria provided, single submitter. Criteria: Invitae Variant Classification Sherloc (09022015). Collection method: clinical testing. Allele origin: germline.

Blueprint Genetics
Classification: Likely benign. Last evaluated: 2024-06-04. Review status: criteria provided, single submitter. Criteria: ACMG Guidelines, 2015. Collection method: clinical testing. Allele origin: germline.

CeGaT Center for Human Genetics Tuebingen
Classification: Likely benign. Last evaluated: 2022-08-01. Review status: criteria provided, single submitter. Criteria: CeGaT Center For Human Genetics Tuebingen Variant Classification Criteria Version 2. Collection method: clinical testing. Allele origin: germline. Affected: yes. Observed: 1 variant allele.
Comment: CSF3R: BP4, BP7

NM_000760.4(CSF3R):c.885C>T (p.Cys295=)

Gene: CSF3R (colony stimulating factor 3 receptor; minus strand). Cytogenetic location: 1p34.3.
Variant type: single nucleotide variant.
Coding change: c.885C>T on transcript NM_000760.4 (MANE Select); coding-DNA position 885, C replaced by T.
Protein change: p.Cys295=; no amino-acid change (cysteine 295 retained).
Molecular consequence: synonymous variant.
Genome position (GRCh38, 1-based): chr1:36,472,350, G>A on the plus strand (C>T on the coding strand, the complement: CSF3R is on the minus strand). VCF-style: chr1-36472350-G-A. GRCh37 (hg19) VCF-style: chr1-36937951-G-A.
Other names: c.885C>T, p.Cys295= (NM_156039.3, NM_172313.3).
Identifiers: ClinVar variation 1086772 (VCV001086772.33), dbSNP rs747273831, ClinGen allele CA769353.
Genomic context (GRCh38, chr1:36,472,350, plus strand): 5'-AGGCAGGGGCCAGCGGATGCAGCGTATCTGCAGGGTGTAGGCCGTGGCTGGGAGGAGCCC[G>A]CAGAGCTCATACTGAAGGGCCTCCAAGGGGAGGGGGCCCACCTGGTGAGGGGTGGACAGG-3'
Protein context (NP_000751.1, residues 285-305): LPLEALQYEL[Cys295=]GLLPATAYTL